The following is an entry in ClinVar:

ClinVar aggregate classification (germline): Conflicting classifications of pathogenicity. Review status: criteria provided, conflicting classifications (1 of 4 stars). 5 submissions from 5 submitters: Likely pathogenic (3); Uncertain significance (1). 1 of the submissions does not count toward it. Last evaluated 2025-10-01.

Conditions:
Junctional epidermolysis bullosa. Identifiers: Orphanet 305, MedGen C0079301, MONDO:0017612.
Junctional epidermolysis bullosa gravis of Herlitz. Also called: Epidermolysis Bullosa Letalis; Herlitz-type junctional epidermolysis bullosa; EPIDERMOLYSIS BULLOSA JUNCTIONALIS, HERLITZ TYPE; EPIDERMOLYSIS BULLOSA, JUNCTIONAL, HERLITZ-PEARSON TYPE; JEB-HERLITZ TYPE; EPIDERMOLYSIS BULLOSA, JUNCTIONAL 1B, SEVERE. Identifiers: Orphanet 79404, MedGen C0079683, MONDO:0009182, OMIM 226700.
Epidermolysis bullosa, junctional 3A, intermediate. Also called: EPIDERMOLYSIS BULLOSA, JUNCTIONAL 3A, GENERALIZED INTERMEDIATE; EPIDERMOLYSIS BULLOSA, JUNCTIONAL 3A, NON-HERLITZ TYPE. Identifiers: MedGen C5676938, MONDO:0030748, OMIM 619785.
Epidermolysis bullosa, junctional 3B, severe. Also called: EPIDERMOLYSIS BULLOSA, JUNCTIONAL 3B, GENERALIZED SEVERE; EPIDERMOLYSIS BULLOSA, JUNCTIONAL 3B, HERLITZ TYPE. Identifiers: MedGen C5676939, MONDO:0030749, OMIM 619786.

Allele frequency attached by ClinVar (database versions not stated): gnomAD exomes below 0.00001; ExAC 0.00001.
gnomAD v4.1: 5 of 1,613,718 alleles (0.00031%); highest among the groups gnomAD compares: South Asian, 0.0055%; no homozygotes.

Submissions (5):

Myriad Genetics, Inc.
Classification: Uncertain significance for Junctional epidermolysis bullosa. Last evaluated: 2025-10-01. Review status: criteria provided, single submitter. Criteria: Myriad Autosomal Dominant, Autosomal Recessive and X-Linked Classification Criteria (2023). Collection method: clinical testing. Allele origin: unknown.
Comment: NM_005562.2(LAMC2):c.268+1G>A is a variant in a canonical splice site classified as a variant of uncertain significance in the context of junctional epidermolysis bullosa, LAMC2-related. c.268+1G>A has not been observed in cases with relevant disease. Relevant functional assessments of this variant are not available in the literature. c.268+1G>A has been observed in referenced population frequency databases. In summary, there is insufficient evidence to classify NM_005562.2(LAMC2):c.268+1G>A as pathogenic or benign. Please note: this variant was assessed in the context of healthy population screening.

Fulgent Genetics
Classification: Likely pathogenic for Epidermolysis bullosa, junctional 3A, intermediate; Epidermolysis bullosa, junctional 3B, severe. Last evaluated: 2024-03-12. Review status: criteria provided, single submitter. Criteria: ACMG Guidelines, 2015. Collection method: clinical testing. Allele origin: germline.

Revvity Omics, Revvity
Classification: Likely pathogenic. Last evaluated: 2023-10-25. Review status: criteria provided, single submitter. Criteria: ACMG Guidelines, 2015. Collection method: clinical testing. Allele origin: germline.

Labcorp Genetics (formerly Invitae), Labcorp
Classification: Likely pathogenic. Last evaluated: 2023-09-09. Review status: criteria provided, single submitter. Criteria: Invitae Variant Classification Sherloc (09022015). Collection method: clinical testing. Allele origin: germline.
Comment: This sequence change affects a donor splice site in intron 2 of the LAMC2 gene. It is expected to disrupt RNA splicing. Variants that disrupt the donor or acceptor splice site typically lead to a loss of protein function (PMID: 16199547), and loss-of-function variants in LAMC2 are known to be pathogenic (PMID: 11907499, 16473856). This variant is present in population databases (rs759509443, gnomAD 0.003%). This variant has not been reported in the literature in individuals affected with LAMC2-related conditions. ClinVar contains an entry for this variant (Variation ID: 370158). Algorithms developed to predict the effect of sequence changes on RNA splicing suggest that this variant may disrupt the consensus splice site. In summary, the currently available evidence indicates that the variant is pathogenic, but additional data are needed to prove that conclusively. Therefore, this variant has been classified as Likely Pathogenic.

Counsyl
Classification: Likely pathogenic for Junctional epidermolysis bullosa gravis of Herlitz. Last evaluated: 2015-12-04. Review status: no assertion criteria provided. Collection method: clinical testing. Allele origin: unknown. Not counted in ClinVar's aggregate classification.

Literature cited by the submitters: PubMed 16199547 (cited by Labcorp Genetics (formerly Invitae), Labcorp); PubMed 11907499 (cited by Labcorp Genetics (formerly Invitae), Labcorp); PubMed 16473856 (cited by Labcorp Genetics (formerly Invitae), Labcorp).

NM_005562.3(LAMC2):c.268+1G>A

Gene: LAMC2 (laminin subunit gamma 2; plus strand). Cytogenetic location: 1q25.3.
Variant type: single nucleotide variant.
Coding change: c.268+1G>A on transcript NM_005562.3 (MANE Select); the canonical splice donor site of the intron after coding-DNA position 268, G replaced by A.
Molecular consequence: splice donor variant.
Genome position (GRCh38, 1-based): chr1:183,208,070, G>A. VCF-style: chr1-183208070-G-A. GRCh37 (hg19) VCF-style: chr1-183177205-G-A.
Other names: c.268+1G>A (NM_018891.3).
Identifiers: ClinVar variation 370158 (VCV000370158.12), dbSNP rs759509443, ClinGen allele CA1282259.
Genomic context (GRCh38, chr1:183,208,070, plus strand): 5'-ATGGCTTTTACCGGCACAGAGAAAGGGACCGCTGTTTGCCCTGCAATTGTAACTCCAAAG[G>A]TAGCTGAAAAGGACGGAAAGAGGGAGAGGGAGATGGAGCAGTGGGGAGACAAGAGGGAAG-3'